The following is an entry in ClinVar:

NM_003482.4(KMT2D):c.3602A>C (p.Lys1201Thr)

Genes: KMT2D (lysine methyltransferase 2D; minus strand), LOC126861520 (CDK7 strongly-dependent group 2 enhancer GRCh37_chr12:49442744-49443943; plus strand). Cytogenetic location: 12q13.12.
Variant type: single nucleotide variant.
Coding change: c.3602A>C on transcript NM_003482.4 (MANE Select); coding-DNA position 3602, A replaced by C.
Protein change: p.Lys1201Thr; replaces lysine 1201 with threonine.
Molecular consequence: missense variant.
Genome position (GRCh38, 1-based): chr12:49,049,986, T>G on the plus strand (A>C on the coding strand, the complement: KMT2D is on the minus strand). VCF-style: chr12-49049986-T-G. GRCh37 (hg19) VCF-style: chr12-49443769-T-G.
Other names: short protein forms K1201T.
Identifiers: ClinVar variation 4882738 (VCV004882738.2).

ClinVar aggregate classification (germline): Uncertain significance (1 of 4 stars; one submission).

Conditions:
Kabuki syndrome 1 (KABUK1). Also called: KMT2D-Related Kabuki Syndrome. Identifiers: Orphanet 2322, MedGen CN030661, MONDO:0007843, OMIM 147920.

gnomAD v4.1: 1 of 1,613,822 alleles (0.000062%); highest among the groups gnomAD compares: Non-Finnish European, 0.000085%; no homozygotes.

Submission:

Dasa
Classification: Uncertain significance for Kabuki syndrome 1. Last evaluated: 2025-12-16. Review status: criteria provided, single submitter. Criteria: DASA Assertion Criteria. Collection method: clinical testing. Allele origin: germline.
Comment: NM_003482.4(KMT2D):c.3602A>C (p.Lys1201Thr) is a missense variant that results in the substitution of lysine with threonine. This variant is rare in population databases. The currently available literature and clinical evidence are not sufficient to establish a definitive association between this variant and the reported condition. Therefore, this variant is classified as a variant of uncertain significance.